The following is an entry in ClinVar:

ClinVar aggregate classification (germline): Likely pathogenic (1 of 4 stars; one submission).

Conditions:
Progressive muscular dystrophy. Identifiers: Orphanet 206644, MedGen C4551827, MONDO:0016106.

Submission:

Myriad Genetics, Inc.
Classification: Likely pathogenic for Progressive muscular dystrophy. Last evaluated: 2019-12-10. Review status: criteria provided, single submitter. Criteria: Myriad Autosomal Dominant, Autosomal Recessive and X-Linked Classification Criteria (2023). Collection method: clinical testing. Allele origin: unknown.
Comment: NM_004006.2(DMD):c.6175A>T(K2059*) is expected to be pathogenic in the context of dystrophinopathy (including Duchenne/Becker muscular dystrophy). This variant is predicted to lead to an abnormal or absent protein product due to the creation of a premature termination codon in DMD, a gene where loss-of-function variants are known to be pathogenic. Please note: this variant was assessed in the context of healthy population screening.

NM_004006.3(DMD):c.6175A>T (p.Lys2059Ter)

Gene: DMD (dystrophin; minus strand). Cytogenetic location: Xp21.1.
Variant type: single nucleotide variant.
Coding change: c.6175A>T on transcript NM_004006.3 (MANE Select); coding-DNA position 6175, A replaced by T.
Protein change: p.Lys2059Ter; replaces lysine 2059 with a stop codon.
Molecular consequence: nonsense.
Genome position (GRCh38, 1-based): chrX:32,287,644, T>A on the plus strand (A>T on the coding strand, the complement: DMD is on the minus strand). VCF-style: chrX-32287644-T-A. GRCh37 (hg19) VCF-style: chrX-32305761-T-A.
Other names: c.6151A>T, p.Lys2051Ter (NM_000109.4); c.6163A>T, p.Lys2055Ter (NM_004009.3); c.5806A>T, p.Lys1936Ter (NM_004010.3); c.2152A>T, p.Lys718Ter (NM_004011.4); c.2143A>T, p.Lys715Ter (NM_004012.4); short protein forms K1936*, K2051*, K2055*, K2059*, K715*, K718*.
Identifiers: ClinVar variation 984220 (VCV000984220.4), dbSNP rs2097447879, ClinGen allele CA412666266.
Genomic context (GRCh38, chrX:32,287,644, plus strand): 5'-AGAGAGCTTCCTGTAGCTTCACCCTTTCCACAGGCGTTGCACTTTGCAATGCTGCTGTCT[T>A]CTTGCTATGAATAATGTCAATCCGACCTGAGCTTTGTTGTAGACTATCTTTTATATTCTG-3'